The following is an entry in ClinVar:

ClinVar aggregate classification (germline): Uncertain significance (1 of 4 stars; one submission).

Conditions:
Emery-Dreifuss muscular dystrophy 4, autosomal dominant (EDMD4). Also called: EMERY-DREIFUSS MUSCULAR DYSTROPHY 4 WITH VARIABLE FEATURES. Identifiers: Orphanet 261, MedGen C2751807, MONDO:0013071, OMIM 612998.
Autosomal recessive ataxia, Beauce type. Also called: Spinocerebellar ataxia, autosomal recessive 8; ATAXIA, RECESSIVE, OF BEAUCE; SYNE1-Related Autosomal Recessive Cerebellar Ataxia; SYNE1 Deficiency. Identifiers: Orphanet 88644, MedGen C1853116, MONDO:0012549, OMIM 610743.

Submission:

Labcorp Genetics (formerly Invitae), Labcorp
Classification: Uncertain significance for Emery-Dreifuss muscular dystrophy 4, autosomal dominant; Autosomal recessive ataxia, Beauce type. Last evaluated: 2022-11-07. Review status: criteria provided, single submitter. Criteria: Invitae Variant Classification Sherloc (09022015). Collection method: clinical testing. Allele origin: germline.
Comment: In summary, the available evidence is currently insufficient to determine the role of this variant in disease. Therefore, it has been classified as a Variant of Uncertain Significance. Algorithms developed to predict the effect of sequence changes on RNA splicing suggest that this variant may disrupt the consensus splice site. This variant has not been reported in the literature in individuals affected with SYNE1-related conditions. This variant is not present in population databases (gnomAD no frequency). This sequence change affects codon 6489 of the SYNE1 mRNA. It is a 'silent' change, meaning that it does not change the encoded amino acid sequence of the SYNE1 protein.

NM_182961.4(SYNE1):c.19680C>G (p.Leu6560=)

Gene: SYNE1 (spectrin repeat containing nuclear envelope protein 1; minus strand). Cytogenetic location: 6q25.2.
Variant type: single nucleotide variant.
Coding change: c.19680C>G on transcript NM_182961.4 (MANE Select); coding-DNA position 19680, C replaced by G.
Protein change: p.Leu6560=; no amino-acid change (leucine 6560 retained).
Molecular consequence: synonymous variant.
Genome position (GRCh38, 1-based): chr6:152,244,549, G>C on the plus strand (C>G on the coding strand, the complement: SYNE1 is on the minus strand). VCF-style: chr6-152244549-G-C. GRCh37 (hg19) VCF-style: chr6-152565684-G-C.
Other names: c.19467C>G, p.Leu6489= (NM_033071.5).
Identifiers: ClinVar variation 2932938 (VCV002932938.3), dbSNP rs2551733283, ClinGen allele CA452753737.